The following is an entry in ClinVar:

NM_006231.4(POLE):c.802-9_802-8dup

Gene: POLE (DNA polymerase epsilon, catalytic subunit; minus strand). Cytogenetic location: 12q24.33.
Variant type: Duplication.
Coding change: c.802-9_802-8dup on transcript NM_006231.4 (MANE Select); 9 bases into the intron before coding-DNA position 802 through 8 bases into the intron before coding-DNA position 802, 2 bases duplicated (TC; older notation c.802-9_802-8dupTC).
Molecular consequence: intron variant.
Genome position (GRCh38, 1-based): chr12:132,676,661-132,676,662, GA duplicated on the plus strand (TC on the coding strand, the reverse complement: POLE is on the minus strand). VCF-style (leftmost placement, unchanged base first): chr12-132676660-G-GGA. GRCh37 (hg19) VCF-style: chr12-133253246-G-GGA.
Other names: c.802-9_802-8dupTC (NM_006231.3).
Identifiers: ClinVar variation 473832 (VCV000473832.12), dbSNP rs751381655, ClinGen allele CA6894169.
Genomic context (GRCh38, chr12:132,676,660, plus strand): 5'-AAACTTGAGGGGCAGTTTGGTCGTCTCAATGTCAAATGCCAAAACCACAGGGTCCTGTGG[G>GGA]GACAAAATAAGCATAAAGCCAAGCTCTAAACTCCCCATTAGGCCTCCCTGAACACCCACC-3'

ClinVar aggregate classification (germline): Likely benign. Review status: criteria provided, multiple submitters, no conflicts (2 of 4 stars). 2 submissions from 2 submitters: Likely benign (2). Last evaluated 2026-01-27.

Conditions:
Colorectal cancer, susceptibility to, 12 (CRCS12). Also called: COLORECTAL CANCER, SUSCEPTIBILITY TO, ON CHROMOSOME 12q24. Identifiers: Orphanet 220460, MedGen C3554460, MONDO:0014038, OMIM 615083.

Allele frequency attached by ClinVar (database versions not stated): gnomAD exomes below 0.00001; ExAC 0.00001; gnomAD 0.00001; TOPMed 0.00002.

Submissions (2):

Labcorp Genetics (formerly Invitae), Labcorp
Classification: Likely benign. Last evaluated: 2026-01-27. Review status: criteria provided, single submitter. Criteria: Invitae Variant Classification Sherloc (09022015). Collection method: clinical testing. Allele origin: germline.

Myriad Genetics, Inc.
Classification: Likely benign for Colorectal cancer, susceptibility to, 12. Last evaluated: 2025-02-07. Review status: criteria provided, single submitter. Criteria: Myriad Autosomal Dominant, Autosomal Recessive and X-Linked Classification Criteria (2023). Collection method: clinical testing. Allele origin: unknown.
Comment: This variant is considered likely benign. This variant is intronic and is not expected to impact mRNA splicing.